The following is an entry in ClinVar:

ClinVar aggregate classification (germline): Uncertain significance (1 of 4 stars; one submission).

Conditions:
Developmental and epileptic encephalopathy, 36 (DEE36). Also called: Congenital disorder of glycosylation, type Is; Epileptic encephalopathy, early infantile, 36; ALG13-CDG. Identifiers: Orphanet 324422, MedGen C4317295, MONDO:0010472, OMIM 300884.

Submissions (3):

Labcorp Genetics (formerly Invitae), Labcorp
Classification: Uncertain significance for Developmental and epileptic encephalopathy, 36. Last evaluated: 2022-06-04. Review status: criteria provided, single submitter. Criteria: Invitae Variant Classification Sherloc (09022015). Collection method: clinical testing. Allele origin: germline.
Comment: In summary, the available evidence is currently insufficient to determine the role of this variant in disease. Therefore, it has been classified as a Variant of Uncertain Significance. Algorithms developed to predict the effect of missense changes on protein structure and function are either unavailable or do not agree on the potential impact of this missense change (SIFT: "Tolerated"; PolyPhen-2: "Probably Damaging"; Align-GVGD: "Class C0"). This variant has not been reported in the literature in individuals affected with ALG13-related conditions. This variant is not present in population databases (gnomAD no frequency). This sequence change replaces leucine, which is neutral and non-polar, with valine, which is neutral and non-polar, at codon 495 of the ALG13 protein (p.Leu495Val).

Dr. Peter K. Rogan Lab, Western University
No classification provided (evidence only). Condition: Nonpapillary renal cell carcinoma. Review status: no classification provided. Collection method: in vitro. Allele origin: not applicable. Functional consequence: skipped exon. Not counted in ClinVar's aggregate classification.

Dr. Peter K. Rogan Lab, Western University
No classification provided (evidence only). Condition: Nonpapillary renal cell carcinoma. Review status: no classification provided. Collection method: in vitro. Allele origin: not applicable. Functional consequence: skipped exon. Not counted in ClinVar's aggregate classification.

NM_001099922.3(ALG13):c.1483T>G (p.Leu495Val)

Gene: ALG13 (ALG13 UDP-N-acetylglucosaminyltransferase subunit; plus strand). Cytogenetic location: Xq23.
Variant type: single nucleotide variant.
Coding change: c.1483T>G on transcript NM_001099922.3 (MANE Select); coding-DNA position 1483, T replaced by G.
Protein change: p.Leu495Val; replaces leucine 495 with valine.
Molecular consequence: missense variant. On other transcripts: intron variant (1).
Genome position (GRCh38, 1-based): chrX:111,722,840, T>G. VCF-style: chrX-111722840-T-G. GRCh37 (hg19) VCF-style: chrX-110966068-T-G.
Other names: c.1171T>G, p.Leu391Val (NM_001257230.2, NM_001257234.2, NM_001257237.2); c.1249T>G, p.Leu417Val (NM_001257231.2); c.1483T>G, p.Leu495Val (NM_001324292.2); c.1015-958T>G (NM_001324293.1); short protein forms L391V, L495V, L417V.
Identifiers: ClinVar variation 2002383 (VCV002002383.5), dbSNP rs2525841278, ClinGen allele CA414251803.
Genomic context (GRCh38, chrX:111,722,840, plus strand): 5'-TTTCTTTTAATAGAACTTCAAAAATCTGATTACATGGAGTATGCTGGGAGACAGTACTAT[T>G]TGGGAGACAAGTGTCAGGTTAGTTCCTTCTTCAAGAATCAGTAATTTTTTTAAGAATGTG-3'
Protein context (NP_001093392.1, residues 485-505): YMEYAGRQYY[Leu495Val]GDKCQVCLES